The following is an entry in ClinVar:

ClinVar aggregate classification (germline): Likely benign (1 of 4 stars; one submission).

Conditions:
IFT172-related disorder. Also called: IFT172-related disorders; IFT172-related condition.

Submission:

PreventionGenetics, part of Exact Sciences
Classification: Likely benign for IFT172-related condition. Last evaluated: 2025-03-05. Review status: criteria provided, single submitter. Criteria: ACMG Guidelines, 2015. Collection method: clinical testing. Allele origin: germline.
Comment: This variant is classified as likely benign based on ACMG/AMP sequence variant interpretation guidelines (Richards et al. 2015 PMID: 25741868, with internal and published modifications).

NM_015662.3(IFT172):c.3615A>C (p.Gly1205=)

Genes: IFT172 (intraflagellar transport 172; minus strand), LOC126806173 (BRD4-independent group 4 enhancer GRCh37_chr2:27676057-27677256; plus strand). Cytogenetic location: 2p23.3.
Variant type: single nucleotide variant.
Coding change: c.3615A>C on transcript NM_015662.3 (MANE Select); coding-DNA position 3615, A replaced by C.
Protein change: p.Gly1205=; no amino-acid change (glycine 1205 retained).
Molecular consequence: synonymous variant.
Genome position (GRCh38, 1-based): chr2:27,454,078, T>G on the plus strand (A>C on the coding strand, the complement: IFT172 is on the minus strand). VCF-style: chr2-27454078-T-G. GRCh37 (hg19) VCF-style: chr2-27676945-T-G.
Other names: c.3549A>C, p.Gly1183= (NM_001410739.1).
Identifiers: ClinVar variation 4983279 (VCV004983279.1).